The following is an entry in ClinVar:

NM_020928.2(ZSWIM6):c.399C>A (p.Ala133=)

Gene: ZSWIM6 (zinc finger SWIM-type containing 6; plus strand). Cytogenetic location: 5q12.1.
Variant type: single nucleotide variant.
Coding change: c.399C>A on transcript NM_020928.2 (MANE Select); coding-DNA position 399, C replaced by A.
Protein change: p.Ala133=; no amino-acid change (alanine 133 retained).
Molecular consequence: synonymous variant.
Genome position (GRCh38, 1-based): chr5:61,332,671, C>A. VCF-style: chr5-61332671-C-A. GRCh37 (hg19) VCF-style: chr5-60628498-C-A.
Other names: c.399C>A (NM_020928.1).
Identifiers: ClinVar variation 1543969 (VCV001543969.11), dbSNP rs1193439288, ClinGen allele CA444673810.
Genomic context (GRCh38, chr5:61,332,671, plus strand): 5'-CTTCCCCCGCAGCGAGCGGGAGATCTGCATGTACTCGTCCTTCAACACCGGCGGCGGCGC[C>A]GCGGGCGGCCCCGGCGACGACAGCGGTGGCGGCGGCGGCGCGGGCGGCGGCGGCGGCGGC-3'
Protein context (NP_065979.1, residues 123-143): MYSSFNTGGG[Ala133=]AGGPGDDSGG

ClinVar aggregate classification (germline): Likely benign. Review status: criteria provided, multiple submitters, no conflicts (2 of 4 stars). 3 submissions from 3 submitters: Likely benign (2). 1 of the submissions does not count toward it. Last evaluated 2023-05-11.

Conditions:
ZSWIM6-related disorder. Also called: ZSWIM6-related condition.

gnomAD v4.1: 2 of 1,108,640 alleles (0.00018%); highest among the groups gnomAD compares: South Asian, 0.0023%; no homozygotes.

Submissions (3):

Blueprint Genetics
Classification: Likely benign. Last evaluated: 2023-05-11. Review status: criteria provided, single submitter. Criteria: ACMG Guidelines, 2015. Collection method: clinical testing. Allele origin: germline.

Labcorp Genetics (formerly Invitae), Labcorp
Classification: Likely benign. Last evaluated: 2022-01-13. Review status: criteria provided, single submitter. Criteria: Invitae Variant Classification Sherloc (09022015). Collection method: clinical testing. Allele origin: germline.

PreventionGenetics, part of Exact Sciences
Classification: Likely benign for ZSWIM6-related condition. Last evaluated: 2021-04-30. Review status: no assertion criteria provided. Collection method: clinical testing. Allele origin: germline. Not counted in ClinVar's aggregate classification.
Comment: This variant is classified as likely benign based on ACMG/AMP sequence variant interpretation guidelines (Richards et al. 2015 PMID: 25741868, with internal and published modifications).